The following is an entry in ClinVar:

NM_000203.5(IDUA):c.860T>G (p.Phe287Cys)

Gene: IDUA (alpha-L-iduronidase; plus strand). Cytogenetic location: 4p16.3.
Variant type: single nucleotide variant.
Coding change: c.860T>G on transcript NM_000203.5 (MANE Select); coding-DNA position 860, T replaced by G.
Protein change: p.Phe287Cys; replaces phenylalanine 287 with cysteine.
Molecular consequence: missense variant. On other transcripts: non-coding transcript variant (1).
Genome position (GRCh38, 1-based): chr4:1,002,049, T>G. VCF-style: chr4-1002049-T-G. GRCh37 (hg19) VCF-style: chr4-995837-T-G.
Other names: c.464T>G, p.Phe155Cys (NM_001363576.1); short protein forms F155C, F287C.
Identifiers: ClinVar variation 990334 (VCV000990334.2), dbSNP rs748239393, ClinGen allele CA2802111.
Genomic context (GRCh38, chr4:1,002,049, plus strand): 5'-GCAGCTCCATCTCCATCCTGGAGCAGGAGAAGGTCGTCGCGCAGCAGATCCGGCAGCTCT[T>G]CCCCAAGTTCGCGGACACCCCCATTTACAACGACGAGGCGGACCCGCTGGTGGGCTGGTC-3'
Protein context (NP_000194.2, residues 277-297): KVVAQQIRQL[Phe287Cys]PKFADTPIYN

ClinVar aggregate classification (germline): Uncertain significance. Review status: criteria provided, single submitter (1 of 4 stars). 2 submissions from 2 submitters: Uncertain significance (1). 1 of the submissions does not count toward it.

Conditions:
Mucopolysaccharidosis type 1. Also called: IDUA deficiency; MPS I; Mucopolysaccharidosis Type I. Identifiers: Orphanet 579, MedGen C0023786, MONDO:0001586.
Hurler syndrome. Also called: MUCOPOLYSACCHARIDOSIS TYPE IH; Severe MPS I (Hurler Syndrome); Gargoylism, Hurler Syndrome. Identifiers: Orphanet 93473, MedGen C0086795, MONDO:0011758, OMIM 607014.

Allele frequency attached by ClinVar (database versions not stated): gnomAD 0.00001 and below 0.00001; ExAC 0.00002; gnomAD exomes 0.00001.

Submissions (2):

Neuberg Centre For Genomic Medicine, NCGM
Classification: Uncertain significance for Hurler syndrome. Review status: criteria provided, single submitter. Criteria: ACMG Guidelines, 2015. Collection method: clinical testing. Allele origin: germline. Inheritance: Autosomal recessive inheritance. Affected: yes.
Comment: The missense c.860T>G p.Phe287Cys variant in IDUA gene has not been reported previously as a pathogenic variant nor as a benign variant, to our knowledge. The p.Phe287Cys variant is reported with an allele frequency of 0.0009% in the gnomAD exomes database and is novel not in any individuals in 1000 Genomes database. This variant has been reported to the ClinVar database as Uncertain Significance. The amino acid change p.Phe287Cys in IDUA is predicted as conserved by GERP++ and PhyloP across 100 vertebrates. The amino acid Phe at position 287 is changed to a Cys changing protein sequence and it might alter its composition and physico-chemical properties. For these reasons, this variant has been classified as a Variant of Uncertain Significance VUS.

Natera, Inc.
Classification: Uncertain significance for Mucopolysaccharidosis type I. Last evaluated: 2020-09-30. Review status: no assertion criteria provided. Collection method: clinical testing. Allele origin: germline. Not counted in ClinVar's aggregate classification.